The following is an entry in ClinVar:

ClinVar aggregate classification (germline): Uncertain significance (1 of 4 stars; one submission).

Conditions:
Hypertrophic cardiomyopathy. Also called: HYPERTROPHIC MYOCARDIOPATHY. Identifiers: Orphanet 217569, MedGen C0007194, MeSH D002312, MONDO:0005045, HP:0001639.

Submission:

Labcorp Genetics (formerly Invitae), Labcorp
Classification: Uncertain significance for Hypertrophic cardiomyopathy. Last evaluated: 2020-06-04. Review status: criteria provided, single submitter. Criteria: Invitae Variant Classification Sherloc (09022015). Collection method: clinical testing. Allele origin: germline.
Comment: In summary, the available evidence is currently insufficient to determine the role of this variant in disease. Therefore, it has been classified as a Variant of Uncertain Significance. Experimental studies and prediction algorithms are not available or were not evaluated, and the functional significance of this variant is currently unknown. This variant has not been reported in the literature in individuals with JPH2-related conditions. This variant is not present in population databases (ExAC no frequency). This sequence change results in a frameshift in the JPH2 gene (p.Arg655Alafs*57). While this is not anticipated to result in nonsense mediated decay, it is expected to disrupt the last 42 amino acids of the JPH2 protein and extend the protein by an additional 14 amino acids.

NM_020433.5(JPH2):c.1962dup (p.Arg655fs)

Gene: JPH2 (junctophilin 2; minus strand). Cytogenetic location: 20q13.12.
Variant type: Duplication.
Coding change: c.1962dup on transcript NM_020433.5 (MANE Select); coding-DNA position 1962, one base duplicated (G; older notation c.1962dupG).
Protein change: p.Arg655fs; shifts the reading frame from arginine 655.
Molecular consequence: frameshift variant.
Genome position (GRCh38, 1-based): chr20:44,115,713, C duplicated on the plus strand (G on the coding strand, the reverse complement: JPH2 is on the minus strand). VCF-style (leftmost placement, unchanged base first): chr20-44115712-G-GC. GRCh37 (hg19) VCF-style: chr20-42744352-G-GC.
Other names: short protein forms R655fs.
Identifiers: ClinVar variation 1004247 (VCV001004247.6), dbSNP rs2072183597, ClinGen allele CA2365625092.